The following is an entry in ClinVar:

ClinVar aggregate classification (germline): Pathogenic (1 of 4 stars; one submission).

Submission:

Labcorp Genetics (formerly Invitae), Labcorp
Classification: Pathogenic. Last evaluated: 2023-11-25. Review status: criteria provided, single submitter. Criteria: Invitae Variant Classification Sherloc (09022015). Collection method: clinical testing. Allele origin: germline.
Comment: This sequence change creates a premature translational stop signal (p.Ser811*) in the SLC12A3 gene. It is expected to result in an absent or disrupted protein product. Loss-of-function variants in SLC12A3 are known to be pathogenic (PMID: 20848653, 22009145, 25841442). This variant is not present in population databases (gnomAD no frequency). This variant has not been reported in the literature in individuals affected with SLC12A3-related conditions. For these reasons, this variant has been classified as Pathogenic.

Literature cited by the submitters: PubMed 20848653; PubMed 22009145; PubMed 25841442.

NM_001126108.2(SLC12A3):c.2419+13C>A

Gene: SLC12A3 (solute carrier family 12 member 3; plus strand). Cytogenetic location: 16q13.
Variant type: single nucleotide variant.
Coding change: c.2419+13C>A on transcript NM_001126108.2 (MANE Select); 13 bases into the intron after coding-DNA position 2419, C replaced by A.
Molecular consequence: intron variant. On other transcripts: nonsense (2).
Genome position (GRCh38, 1-based): chr16:56,892,146, C>A. VCF-style: chr16-56892146-C-A. GRCh37 (hg19) VCF-style: chr16-56926058-C-A.
Other names: c.2432C>A, p.Ser811Ter (NM_000339.3); c.2429C>A, p.Ser810Ter (NM_001126107.2); c.2416+13C>A (NM_001410896.1); short protein forms S810*, S811*.
Identifiers: ClinVar variation 2698822 (VCV002698822.3), dbSNP rs778094361, ClinGen allele CA395995737.